The following is an entry in ClinVar:

NM_005732.4(RAD50):c.2911G>A (p.Asp971Asn)

Gene: RAD50 (RAD50 double strand break repair protein; plus strand). Cytogenetic location: 5q31.1.
Variant type: single nucleotide variant.
Coding change: c.2911G>A on transcript NM_005732.4 (MANE Select); coding-DNA position 2911, G replaced by A.
Protein change: p.Asp971Asn; replaces aspartic acid 971 with asparagine.
Molecular consequence: missense variant.
Genome position (GRCh38, 1-based): chr5:132,609,198, G>A. VCF-style: chr5-132609198-G-A. GRCh37 (hg19) VCF-style: chr5-131944890-G-A.
Other names: short protein forms D971N.
Identifiers: ClinVar variation 408363 (VCV000408363.12), dbSNP rs748452537, ClinGen allele CA3405477.

ClinVar aggregate classification (germline): Uncertain significance. Review status: criteria provided, multiple submitters, no conflicts (2 of 4 stars). 2 submissions from 2 submitters: Uncertain significance (2). Last evaluated 2024-04-04.

Conditions:
Hereditary cancer-predisposing syndrome. Also called: Hereditary Cancer Syndrome; Hereditary neoplastic syndrome; Neoplastic Syndromes, Hereditary; Tumor predisposition. Identifiers: Orphanet 140162, MedGen C0027672, MeSH D009386, MONDO:0015356.

Allele frequency attached by ClinVar (database versions not stated): gnomAD exomes below 0.00001; TOPMed below 0.00001; ExAC 0.00001; gnomAD 0.00001.
gnomAD v4.1: 12 of 1,611,132 alleles (0.00074%); highest among the groups gnomAD compares: East Asian, 0.0022%; no homozygotes.

Submissions (2):

Labcorp Genetics (formerly Invitae), Labcorp
Classification: Uncertain significance for Hereditary cancer-predisposing syndrome. Last evaluated: 2024-04-04. Review status: criteria provided, single submitter. Criteria: Invitae Variant Classification Sherloc (09022015). Collection method: clinical testing. Allele origin: germline.
Comment: This sequence change replaces aspartic acid, which is acidic and polar, with asparagine, which is neutral and polar, at codon 971 of the RAD50 protein (p.Asp971Asn). This variant is present in population databases (rs748452537, gnomAD 0.0009%). This variant has not been reported in the literature in individuals affected with RAD50-related conditions. ClinVar contains an entry for this variant (Variation ID: 408363). Advanced modeling of protein sequence and biophysical properties (such as structural, functional, and spatial information, amino acid conservation, physicochemical variation, residue mobility, and thermodynamic stability) performed at Invitae indicates that this missense variant is not expected to disrupt RAD50 protein function with a negative predictive value of 80%. In summary, the available evidence is currently insufficient to determine the role of this variant in disease. Therefore, it has been classified as a Variant of Uncertain Significance.

Ambry Genetics
Classification: Uncertain significance for Hereditary cancer-predisposing syndrome. Last evaluated: 2017-12-04. Review status: criteria provided, single submitter. Criteria: Ambry Variant Classification Scheme 2023. Collection method: clinical testing. Allele origin: germline.
Comment: The p.D971N variant (also known as c.2911G>A), located in coding exon 18 of the RAD50 gene, results from a G to A substitution at nucleotide position 2911. The aspartic acid at codon 971 is replaced by asparagine, an amino acid with highly similar properties. This amino acid position is not well conserved in available vertebrate species. In addition, this alteration is predicted to be tolerated by in silico analysis. Since supporting evidence is limited at this time, the clinical significance of this alteration remains unclear.